The following is an entry in ClinVar:

NM_018100.4(EFHC1):c.1892A>G (p.Tyr631Cys)

Gene: EFHC1 (EF-hand domain containing 1; plus strand). Cytogenetic location: 6p12.2.
Variant type: single nucleotide variant.
Coding change: c.1892A>G on transcript NM_018100.4 (MANE Select); coding-DNA position 1892, A replaced by G.
Protein change: p.Tyr631Cys; replaces tyrosine 631 with cysteine.
Molecular consequence: missense variant. On other transcripts: non-coding transcript variant (1).
Genome position (GRCh38, 1-based): chr6:52,492,310, A>G. VCF-style: chr6-52492310-A-G. GRCh37 (hg19) VCF-style: chr6-52357108-A-G.
Other names: p.Y631C:TAC>TGC; c.1835A>G, p.Tyr612Cys (NM_001172420.2); short protein forms Y631C, Y612C.
Identifiers: ClinVar variation 205417 (VCV000205417.9), dbSNP rs574948354, ClinGen allele CA314468.
Genomic context (GRCh38, chr6:52,492,310, plus strand): 5'-TCTCTTTGCTCTCTCTGCAGTTAATCAGGATGTGCTCTCATGGAGAAGGCAAAATTAACT[A>G]CTATAACTTTGTTCGTGCTTTCTCAAACTGACCTGCTGATGAGAAAATGCAAGACAATTT-3'
Protein context (NP_060570.2, residues 621-640): MCSHGEGKIN[Tyr631Cys]YNFVRAFSN

ClinVar aggregate classification (germline): Uncertain significance. Review status: criteria provided, multiple submitters, no conflicts (2 of 4 stars). 4 submissions from 4 submitters: Uncertain significance (4). Last evaluated 2023-11-10.

Conditions:
Juvenile myoclonic epilepsy (EJM). Also called: JANZ SYNDROME; PETIT MAL, IMPULSIVE. Identifiers: Orphanet 307, MedGen C0270853, MONDO:0009696.
Absence seizure. Also called: Absence epilepsy. Identifiers: Orphanet 1941, MedGen C0014553.

Allele frequency attached by ClinVar (database versions not stated): gnomAD 0.00001; TOPMed 0.00001; gnomAD exomes 0.00002 and 0.00008; ExAC 0.00008; 1000 Genomes Project 30x 0.00031; 1000 Genomes Project 0.00040.
gnomAD v4.1: 32 of 1,614,054 alleles (0.002%); highest among the groups gnomAD compares: South Asian, 0.026%; no homozygotes.

Submissions (4):

Revvity Omics, Revvity
Classification: Uncertain significance. Last evaluated: 2023-11-10. Review status: criteria provided, single submitter. Criteria: ACMG Guidelines, 2015. Collection method: clinical testing. Allele origin: germline.

Fulgent Genetics
Classification: Uncertain significance for Myoclonic epilepsy, juvenile, susceptibility to, 1; Epilepsy, juvenile absence, susceptibility to, 1. Last evaluated: 2018-10-31. Review status: criteria provided, single submitter. Criteria: ACMG Guidelines, 2015. Collection method: clinical testing. Allele origin: unknown.

Eurofins Ntd Llc (ga)
Classification: Uncertain significance. Last evaluated: 2018-03-16. Review status: criteria provided, single submitter. Criteria: EGL ClinVar v180209 classification definitions. Collection method: clinical testing. Allele origin: germline. Observed: 2 variant alleles, 2 heterozygotes.

GeneDx
Classification: Uncertain significance. Last evaluated: 2014-03-18. Review status: criteria provided, single submitter. Criteria: GeneDx Variant Classification (06012015). Collection method: clinical testing. Allele origin: germline. Affected: yes.
Comment: p.Tyr631Cys (TAC>TGC): c.1892 A>G in exon 11 of the EFHC1 gene (NM_018100.3). The Y631C variant has not been published as a mutation, nor has it been reported as a benign polymorphism to our knowledge. It was not observed in approximately 6,500 individuals of European and African American ancestry in the NHLBI Exome Sequencing Project, indicating it is not a common benign variant in these populations. The Y631C variant is a conservative amino acid substitution, which is not likely to impact secondary protein structure as these residues share similar properties. This substitution occurs at a position that is conserved in mammals but is not conserved in more distantly related species. In silico analysis predicts this variant is probably damaging to the protein structure/function. Therefore, based on the currently available information, it is unclear whether this variant is a pathogenic mutation or a rare benign variant. The variant is found in EPILEPSY panel(s).